The following is an entry in ClinVar:

ClinVar aggregate classification (germline): Uncertain significance (1 of 4 stars; one submission).

Submission:

Ambry Genetics
Classification: Uncertain significance. Last evaluated: 2025-08-02. Review status: criteria provided, single submitter. Criteria: Ambry Variant Classification Scheme 2023. Collection method: clinical testing. Allele origin: germline.
Comment: The p.Q42R variant (also known as c.125A>G), located in coding exon 3 of the RINT1 gene, results from an A to G substitution at nucleotide position 125. The glutamine at codon 42 is replaced by arginine, an amino acid with highly similar properties. This amino acid position is conserved. In addition, this alteration is predicted to be tolerated by in silico analysis. Based on the available evidence, the clinical significance of this variant remains unclear.

NM_021930.6(RINT1):c.125A>G (p.Gln42Arg)

Gene: RINT1 (RAD50 interactor 1; plus strand). Cytogenetic location: 7q22.3.
Variant type: single nucleotide variant.
Coding change: c.125A>G on transcript NM_021930.6 (MANE Select); coding-DNA position 125, A replaced by G.
Protein change: p.Gln42Arg; replaces glutamine 42 with arginine.
Molecular consequence: missense variant. On other transcripts: 5 prime UTR variant (3), non-coding transcript variant (1).
Genome position (GRCh38, 1-based): chr7:105,536,601, A>G. VCF-style: chr7-105536601-A-G. GRCh37 (hg19) VCF-style: chr7-105177048-A-G.
Other names: c.28A>G, p.Lys10Glu (NM_001346599.2); c.-895A>G (NM_001346600.2); c.-798A>G (NM_001346601.2); c.-418A>G (NM_001346603.2); short protein forms Q42R, K10E.
Identifiers: ClinVar variation 4154616 (VCV004154616.1).
Genomic context (GRCh38, chr7:105,536,601, plus strand): 5'-GTAATTGTTATTCTTTTGTTGTAGGTGACATAAATGTTACAGTTCTTATTGGAAGTAAAC[A>G]AGTCAGTGAAGGTACAGATAATGGTGATCTCCCTTCTTATGTGTCTGCATTCATAGAAAA-3'
Protein context (NP_068749.3, residues 32-52): INVTVLIGSK[Gln42Arg]VSEGTDNGDL